The following is an entry in ClinVar:

NM_015058.2(VWA8):c.2003G>A (p.Arg668Gln)

Gene: VWA8 (von Willebrand factor A domain containing 8; minus strand). Cytogenetic location: 13q14.11.
Variant type: single nucleotide variant.
Coding change: c.2003G>A on transcript NM_015058.2 (MANE Select); coding-DNA position 2003, G replaced by A.
Protein change: p.Arg668Gln; replaces arginine 668 with glutamine.
Molecular consequence: missense variant.
Genome position (GRCh38, 1-based): chr13:41,811,285, C>T on the plus strand (G>A on the coding strand, the complement: VWA8 is on the minus strand). VCF-style: chr13-41811285-C-T. GRCh37 (hg19) VCF-style: chr13-42385421-C-T.
Other names: c.2003G>A, p.Arg668Gln (NM_001009814.2); short protein forms R668Q.
Identifiers: ClinVar variation 617841 (VCV000617841.27), dbSNP rs138075452, ClinGen allele CA6964224.

ClinVar aggregate classification (germline): Conflicting classifications of pathogenicity. Review status: criteria provided, conflicting classifications (1 of 4 stars). 4 submissions from 4 submitters: Uncertain significance (1); Benign (1); Likely benign (1). 1 of the submissions does not count toward it. Last evaluated 2024-06-01.

Conditions:
Nonsyndromic cleft lip palate.
Retinitis pigmentosa 97 (RP97). Identifiers: MedGen C5830579, MONDO:0957314, OMIM 620422.

Allele frequency attached by ClinVar (database versions not stated): 1000 Genomes Project 0.00020; 1000 Genomes Project 30x 0.00031; gnomAD 0.00332 and 0.00342; ESP Exome Variant Server 0.00369; gnomAD exomes 0.00404 and 0.00274; ExAC 0.00281; TOPMed 0.00286.
gnomAD v4.1: 6,438 of 1,610,634 alleles (0.4%); highest among the groups gnomAD compares: Non-Finnish European, 0.47%; 22 homozygotes.

Submissions (4):

CeGaT Center for Human Genetics Tuebingen
Classification: Likely benign. Last evaluated: 2024-06-01. Review status: criteria provided, single submitter. Criteria: CeGaT Center For Human Genetics Tuebingen Variant Classification Criteria Version 2. Collection method: clinical testing. Allele origin: germline. Affected: yes. Observed: 3 variant alleles.
Comment: VWA8: BS2

Mendelics
Classification: Benign for Retinitis pigmentosa 97. Last evaluated: 2024-01-23. Review status: criteria provided, single submitter. Criteria: ACMG Guidelines, 2015. Collection method: clinical testing. Allele origin: unknown.

Department of Pathology and Laboratory Medicine, Sinai Health System
Classification: Uncertain significance for Retinitis pigmentosa 97. Last evaluated: 2022-12-05. Review status: criteria provided, single submitter. Criteria: ACMG Guidelines, 2015. Collection method: research. Allele origin: germline.

University of Washington Center for Mendelian Genomics, University of Washington
Classification: Likely pathogenic for Nonsyndromic cleft lip palate. Last evaluated: 2016-03-27. Review status: no assertion criteria provided. Collection method: research. Allele origin: inherited. Affected: yes. Observed: 2 heterozygotes. Not counted in ClinVar's aggregate classification.

Literature cited by the submitters: PubMed 27229527 (cited by University of Washington Center for Mendelian Genomics, University of Washington).